The following is an entry in ClinVar:

NM_032608.7(MYO18B):c.2857C>T (p.Arg953Trp)

Gene: MYO18B (myosin XVIIIB; plus strand). Cytogenetic location: 22q12.1.
Variant type: single nucleotide variant.
Coding change: c.2857C>T on transcript NM_032608.7 (MANE Select); coding-DNA position 2857, C replaced by T.
Protein change: p.Arg953Trp; replaces arginine 953 with tryptophan.
Molecular consequence: missense variant.
Genome position (GRCh38, 1-based): chr22:25,828,846, C>T. VCF-style: chr22-25828846-C-T. GRCh37 (hg19) VCF-style: chr22-26224813-C-T.
Other names: c.2857C>T, p.Arg953Trp (NM_001318245.2); short protein forms R953W.
Identifiers: ClinVar variation 2181735 (VCV002181735.3), dbSNP rs1018678998, ClinGen allele CA10160350.

ClinVar aggregate classification (germline): Uncertain significance (1 of 4 stars; one submission).

Allele frequency attached by ClinVar (database versions not stated): gnomAD 0.00003; ExAC 0.00004; TOPMed 0.00005.
gnomAD v4.1: 31 of 1,613,848 alleles (0.0019%); highest among the groups gnomAD compares: Middle Eastern, 0.016%; no homozygotes.

Submission:

Labcorp Genetics (formerly Invitae), Labcorp
Classification: Uncertain significance. Last evaluated: 2022-12-02. Review status: criteria provided, single submitter. Criteria: Invitae Variant Classification Sherloc (09022015). Collection method: clinical testing. Allele origin: germline.
Comment: This variant has not been reported in the literature in individuals affected with MYO18B-related conditions. This variant is present in population databases (no rsID available, gnomAD 0.01%). This sequence change replaces arginine, which is basic and polar, with tryptophan, which is neutral and slightly polar, at codon 953 of the MYO18B protein (p.Arg953Trp). Algorithms developed to predict the effect of missense changes on protein structure and function are either unavailable or do not agree on the potential impact of this missense change (SIFT: "Not Available"; PolyPhen-2: "Probably Damaging"; Align-GVGD: "Not Available"). In summary, the available evidence is currently insufficient to determine the role of this variant in disease. Therefore, it has been classified as a Variant of Uncertain Significance.